The following is an entry in ClinVar:

ClinVar aggregate classification (germline): Likely benign. Review status: criteria provided, multiple submitters, no conflicts (2 of 4 stars). 2 submissions from 2 submitters: Likely benign (2). Last evaluated 2026-04-14.

Conditions:
Familial intrahepatic cholestasis. Identifiers: Orphanet 284385, MedGen CN296401, MONDO:0017290.

Allele frequency attached by ClinVar (database versions not stated): ExAC 0.00001; gnomAD 0.00002; TOPMed 0.00002.
gnomAD v4.1: 24 of 1,613,996 alleles (0.0015%); highest among the groups gnomAD compares: Non-Finnish European, 0.0019%; no homozygotes.

Submissions (2):

Genomenon, Inc
Classification: Likely benign for Familial intrahepatic cholestasis. Last evaluated: 2026-04-14. Review status: criteria provided, single submitter. Criteria: Genomenon Sequence Variant Interpretation Standards - Updated. Collection method: curation. Allele origin: germline. Affected: no.
Comment: ATP8B1 c.636T>A is a synonymous variant that retains Isoleucine at residue 212. This variant has been reported in the published literature (PMID:32646411). It is absent or not present at a significant frequency in gnomAD. This synonymous variant is not predicted to impact splicing. In conclusion, we classify ATP8B1 p.Ile212= (c.636T>A) as a likely benign variant.

Labcorp Genetics (formerly Invitae), Labcorp
Classification: Likely benign. Last evaluated: 2023-06-28. Review status: criteria provided, single submitter. Criteria: Invitae Variant Classification Sherloc (09022015). Collection method: clinical testing. Allele origin: germline.

Literature cited by the submitters: PubMed 32646411 (cited by Genomenon, Inc).

NM_001374385.1(ATP8B1):c.636T>A (p.Ile212=)

Gene: ATP8B1 (ATPase phospholipid transporting 8B1; minus strand). Cytogenetic location: 18q21.31.
Variant type: single nucleotide variant.
Coding change: c.636T>A on transcript NM_001374385.1 (MANE Select); coding-DNA position 636, T replaced by A.
Protein change: p.Ile212=; no amino-acid change (isoleucine 212 retained).
Molecular consequence: synonymous variant.
Genome position (GRCh38, 1-based): chr18:57,697,680, A>T on the plus strand (T>A on the coding strand, the complement: ATP8B1 is on the minus strand). VCF-style: chr18-57697680-A-T. GRCh37 (hg19) VCF-style: chr18-55364912-A-T.
Other names: c.486T>A, p.Ile162= (NM_001374386.1); c.636T>A, p.Ile212= (NM_005603.6).
Identifiers: ClinVar variation 2980592 (VCV002980592.4), dbSNP rs778526143, ClinGen allele CA8974764.
Genomic context (GRCh38, chr18:57,697,680, plus strand): 5'-ATCCAGTTCTGCTGTTTCCACATAGCAGAGGCTGTTAGGCTCAGAGCTAGACAGCAGGAG[A>T]ATGTCAGCCTGTCCAAAACAAAACACACAAATAACACCGAGACCCTGAGGGAAAAGCCGA-3'
Protein context (NP_001361314.1, residues 202-222): LKKNDFVPAD[Ile212=]LLLSSSEPNS